The following is an entry in ClinVar:

ClinVar aggregate classification (germline): Uncertain significance (1 of 4 stars; one submission).

Submission:

CeGaT Center for Human Genetics Tuebingen
Classification: Uncertain significance. Last evaluated: 2023-08-01. Review status: criteria provided, single submitter. Criteria: CeGaT Center For Human Genetics Tuebingen Variant Classification Criteria Version 2. Collection method: clinical testing. Allele origin: germline. Affected: yes. Observed: 1 variant allele.
Comment: DRP2: PM2:Supporting, BP4

NM_001939.3(DRP2):c.1497C>A (p.Gly499=)

Gene: DRP2 (dystrophin related protein 2; plus strand). Cytogenetic location: Xq22.1.
Variant type: single nucleotide variant.
Coding change: c.1497C>A on transcript NM_001939.3 (MANE Select); coding-DNA position 1497, C replaced by A.
Protein change: p.Gly499=; no amino-acid change (glycine 499 retained).
Molecular consequence: synonymous variant.
Genome position (GRCh38, 1-based): chrX:101,248,556, C>A. VCF-style: chrX-101248556-C-A. GRCh37 (hg19) VCF-style: chrX-100503545-C-A.
Other names: c.1263C>A, p.Gly421= (NM_001171184.2).
Identifiers: ClinVar variation 2661057 (VCV002661057.24), dbSNP rs1923014808, ClinGen allele CA517529596.